The following is an entry in ClinVar:

NM_144773.4(PROKR2):c.725G>A (p.Cys242Tyr)

Gene: PROKR2 (prokineticin receptor 2; minus strand). Cytogenetic location: 20p12.3.
Variant type: single nucleotide variant.
Coding change: c.725G>A on transcript NM_144773.4 (MANE Select); coding-DNA position 725, G replaced by A.
Protein change: p.Cys242Tyr; replaces cysteine 242 with tyrosine.
Molecular consequence: missense variant.
Genome position (GRCh38, 1-based): chr20:5,302,470, C>T on the plus strand (G>A on the coding strand, the complement: PROKR2 is on the minus strand). VCF-style: chr20-5302470-C-T. GRCh37 (hg19) VCF-style: chr20-5283116-C-T.
Other names: short protein forms C242Y.
Identifiers: ClinVar variation 897563 (VCV000897563.8), dbSNP rs1404173625, ClinGen allele CA408167068.

ClinVar aggregate classification (germline): Uncertain significance. Review status: criteria provided, multiple submitters, no conflicts (2 of 4 stars). 2 submissions from 2 submitters: Uncertain significance (2). Last evaluated 2022-03-13.

Conditions:
Hypogonadotropic hypogonadism 3 with or without anosmia (HH3). Also called: HYPOGONADOTROPIC HYPOGONADISM 3 WITH ANOSMIA; PROKR2-Related GnRH Deficiency (Kallmann Syndrome 3). Identifiers: Orphanet 478, MedGen C3550478, MONDO:0009482, OMIM 244200.

Allele frequency attached by ClinVar (database versions not stated): gnomAD exomes below 0.00001 and 0.00002; TOPMed 0.00001.
gnomAD v4.1: 31 of 1,614,200 alleles (0.0019%); highest among the groups gnomAD compares: Non-Finnish European, 0.0026%; no homozygotes.

Submissions (2):

Labcorp Genetics (formerly Invitae), Labcorp
Classification: Uncertain significance. Last evaluated: 2022-03-13. Review status: criteria provided, single submitter. Criteria: Invitae Variant Classification Sherloc (09022015). Collection method: clinical testing. Allele origin: germline.
Comment: This sequence change replaces cysteine, which is neutral and slightly polar, with tyrosine, which is neutral and polar, at codon 242 of the PROKR2 protein (p.Cys242Tyr). This variant is present in population databases (no rsID available, gnomAD 0.0009%). This variant has not been reported in the literature in individuals affected with PROKR2-related conditions. ClinVar contains an entry for this variant (Variation ID: 897563). Algorithms developed to predict the effect of missense changes on protein structure and function (SIFT, PolyPhen-2, Align-GVGD) all suggest that this variant is likely to be disruptive. In summary, the available evidence is currently insufficient to determine the role of this variant in disease. Therefore, it has been classified as a Variant of Uncertain Significance.

Illumina Laboratory Services, Illumina
Classification: Uncertain significance for Hypogonadotropic hypogonadism 3 with or without anosmia. Last evaluated: 2018-01-13. Review status: criteria provided, single submitter. Criteria: ICSL Variant Classification Criteria 13 December 2019. Collection method: clinical testing. Allele origin: germline.